The following is an entry in ClinVar:

NM_012434.5(SLC17A5):c.407A>G (p.Lys136Arg)

Gene: SLC17A5 (solute carrier family 17 member 5; minus strand). Cytogenetic location: 6q13.
Variant type: single nucleotide variant.
Coding change: c.407A>G on transcript NM_012434.5 (MANE Select); coding-DNA position 407, A replaced by G.
Protein change: p.Lys136Arg; replaces lysine 136 with arginine.
Molecular consequence: missense variant.
Genome position (GRCh38, 1-based): chr6:73,641,809, T>C on the plus strand (A>G on the coding strand, the complement: SLC17A5 is on the minus strand). VCF-style: chr6-73641809-T-C. GRCh37 (hg19) VCF-style: chr6-74351532-T-C.
Other names: c.176A>G, p.Lys59Arg (NM_001382629.1, NM_001382636.1); c.407A>G, p.Lys136Arg (NM_001382630.1, NM_001382632.1, NM_001382633.1 and 2 more transcripts); c.428A>G, p.Lys143Arg (NM_001382631.1); short protein forms K59R, K136R, K143R.
Identifiers: ClinVar variation 2068802 (VCV002068802.4), dbSNP rs1279505129, ClinGen allele CA364718138.

ClinVar aggregate classification (germline): Likely pathogenic (1 of 4 stars; one submission).

Conditions:
Salla disease (SD). Also called: Sialuria, Finnish type; N-acetylneuraminic acid (NANA) storage disease (NSD); Infantile sialic acid storage disorder (ISSD); Less Severe FSASD (Salla Disease). Identifiers: Orphanet 309334, Orphanet 834, MedGen C1096903, MONDO:0011449, OMIM 604369.

Allele frequency attached by ClinVar (database versions not stated): TOPMed 0.00002.
gnomAD v4.1: 1 of 1,614,160 alleles (0.000062%); highest among the groups gnomAD compares: Admixed American, 0.0017%; no homozygotes.

Submission:

Labcorp Genetics (formerly Invitae), Labcorp
Classification: Likely pathogenic for Salla disease. Last evaluated: 2022-01-01. Review status: criteria provided, single submitter. Criteria: Invitae Variant Classification Sherloc (09022015). Collection method: clinical testing. Allele origin: germline.
Comment: Advanced modeling of protein sequence and biophysical properties (such as structural, functional, and spatial information, amino acid conservation, physicochemical variation, residue mobility, and thermodynamic stability) performed at Invitae indicates that this missense variant is expected to disrupt SLC17A5 protein function. This variant has not been reported in the literature in individuals affected with SLC17A5-related conditions. This variant is present in population databases (no rsID available, gnomAD 0.003%). This sequence change replaces lysine, which is basic and polar, with arginine, which is basic and polar, at codon 136 of the SLC17A5 protein (p.Lys136Arg). This variant disrupts the p.Lys136 amino acid residue in SLC17A5. Other variant(s) that disrupt this residue have been determined to be pathogenic (PMID: 10947946, 15510212, 16170568, 19557856). This suggests that this residue is clinically significant, and that variants that disrupt this residue are likely to be disease-causing. In summary, the currently available evidence indicates that the variant is pathogenic, but additional data are needed to prove that conclusively. Therefore, this variant has been classified as Likely Pathogenic.

Literature cited by the submitters: PubMed 10947946; PubMed 15510212; PubMed 16170568; PubMed 19557856.